The following is an entry in ClinVar:

ClinVar aggregate classification (germline): Uncertain significance. Review status: criteria provided, multiple submitters, no conflicts (2 of 4 stars). 2 submissions from 2 submitters: Uncertain significance (2). Last evaluated 2024-09-24.

Conditions:
Inborn genetic diseases. Identifiers: MedGen C0950123, MeSH D030342.

Allele frequency attached by ClinVar (database versions not stated): gnomAD exomes below 0.00001.
gnomAD v4.1: 1 of 1,614,126 alleles (0.000062%); highest among the groups gnomAD compares: Middle Eastern, 0.016%; no homozygotes.

Submissions (2):

Ambry Genetics
Classification: Uncertain significance for Inborn genetic diseases. Last evaluated: 2024-09-24. Review status: criteria provided, single submitter. Criteria: Ambry Variant Classification Scheme 2023. Collection method: clinical testing. Allele origin: germline.

Labcorp Genetics (formerly Invitae), Labcorp
Classification: Uncertain significance. Last evaluated: 2022-10-14. Review status: criteria provided, single submitter. Criteria: Invitae Variant Classification Sherloc (09022015). Collection method: clinical testing. Allele origin: germline.
Comment: This sequence change replaces threonine, which is neutral and polar, with isoleucine, which is neutral and non-polar, at codon 2974 of the KMT2C protein (p.Thr2974Ile). This variant is not present in population databases (gnomAD no frequency). This variant has not been reported in the literature in individuals affected with KMT2C-related conditions. Advanced modeling of protein sequence and biophysical properties (such as structural, functional, and spatial information, amino acid conservation, physicochemical variation, residue mobility, and thermodynamic stability) performed at Invitae indicates that this missense variant is not expected to disrupt KMT2C protein function. In summary, the available evidence is currently insufficient to determine the role of this variant in disease. Therefore, it has been classified as a Variant of Uncertain Significance.

NM_170606.3(KMT2C):c.8921C>T (p.Thr2974Ile)

Gene: KMT2C (lysine methyltransferase 2C; minus strand). Cytogenetic location: 7q36.1.
Variant type: single nucleotide variant.
Coding change: c.8921C>T on transcript NM_170606.3 (MANE Select); coding-DNA position 8921, C replaced by T.
Protein change: p.Thr2974Ile; replaces threonine 2974 with isoleucine.
Molecular consequence: missense variant.
Genome position (GRCh38, 1-based): chr7:152,176,532, G>A on the plus strand (C>T on the coding strand, the complement: KMT2C is on the minus strand). VCF-style: chr7-152176532-G-A. GRCh37 (hg19) VCF-style: chr7-151873617-G-A.
Other names: c.8921C>T (NM_170606.2); short protein forms T2974I.
Identifiers: ClinVar variation 2979696 (VCV002979696.4), dbSNP rs2129113211, ClinGen allele CA370076796.